The following is an entry in ClinVar:

NM_022765.4(MICAL1):c.2932G>C (p.Val978Leu)

Gene: MICAL1 (microtubule associated monooxygenase, calponin and LIM domain containing 1; minus strand). Cytogenetic location: 6q21.
Variant type: single nucleotide variant.
Coding change: c.2932G>C on transcript NM_022765.4 (MANE Select); coding-DNA position 2932, G replaced by C.
Protein change: p.Val978Leu; replaces valine 978 with leucine.
Molecular consequence: missense variant.
Genome position (GRCh38, 1-based): chr6:109,444,945, C>G on the plus strand (G>C on the coding strand, the complement: MICAL1 is on the minus strand). VCF-style: chr6-109444945-C-G. GRCh37 (hg19) VCF-style: chr6-109766148-C-G.
Other names: c.2932G>C (NM_022765.3); c.2674G>C, p.Val892Leu (NM_001159291.2); c.2989G>C, p.Val997Leu (NM_001286613.2); short protein forms V978L, V892L, V997L.
Identifiers: ClinVar variation 2987423 (VCV002987423.4), dbSNP rs375453363, ClinGen allele CA3952704.
Genomic context (GRCh38, chr6:109,444,945, plus strand): 5'-CTTCCCCTTACGTGATCATGAGCTCGGCCTCCTCAGCCACCAGGCTGTTTTTCTTGTCAA[C>G]GAGCTGTAGCAGCTGTCCTACCCATAGTTTCTTTTGCTGTTCTGGGGAACCTGAGAAGAA-3'
Protein context (NP_073602.3, residues 968-988): KLWVGQLLQL[Val978Leu]DKKNSLVAEE

ClinVar aggregate classification (germline): Uncertain significance. Review status: criteria provided, multiple submitters, no conflicts (2 of 4 stars). 2 submissions from 2 submitters: Uncertain significance (2). Last evaluated 2025-08-27.

Allele frequency attached by ClinVar (database versions not stated): gnomAD 0.00001.
gnomAD v4.1: 18 of 1,614,010 alleles (0.0011%); highest among the groups gnomAD compares: Admixed American, 0.005%; no homozygotes.

Submissions (2):

Ambry Genetics
Classification: Uncertain significance. Last evaluated: 2025-08-27. Review status: criteria provided, single submitter. Criteria: Ambry Variant Classification Scheme 2023. Collection method: clinical testing. Allele origin: germline.

Labcorp Genetics (formerly Invitae), Labcorp
Classification: Uncertain significance. Last evaluated: 2025-06-09. Review status: criteria provided, single submitter. Criteria: Invitae Variant Classification Sherloc (09022015). Collection method: clinical testing. Allele origin: germline.
Comment: This sequence change replaces valine, which is neutral and non-polar, with leucine, which is neutral and non-polar, at codon 997 of the MICAL1 protein (p.Val997Leu). This variant is present in population databases (rs375453363, gnomAD 0.004%). This variant has not been reported in the literature in individuals affected with MICAL1-related conditions. ClinVar contains an entry for this variant (Variation ID: 2987423). An algorithm developed to predict the effect of missense changes on protein structure and function (PolyPhen-2) suggests that this variant is likely to be disruptive. In summary, the available evidence is currently insufficient to determine the role of this variant in disease. Therefore, it has been classified as a Variant of Uncertain Significance.